The following is an entry in ClinVar:

ClinVar aggregate classification (germline): Benign/Likely benign. Review status: criteria provided, multiple submitters, no conflicts (2 of 4 stars). 7 submissions from 7 submitters: Benign (3); Likely benign (3). 1 of the submissions does not count toward it. Last evaluated 2026-02-02.

Conditions:
Retinitis pigmentosa (RP). Identifiers: Orphanet 791, MedGen C0035334, MeSH D012174, MONDO:0019200, OMIM 268000. Inheritance: Autosomal dominant, autosomal recessive and X linked inheritance.

Allele frequency attached by ClinVar (database versions not stated): gnomAD exomes 0.00218 and 0.00517; gnomAD 0.02657 and 0.02473; ExAC 0.01028; ESP Exome Variant Server 0.02475; 1000 Genomes Project 0.02756; TOPMed 0.02864; 1000 Genomes Project 30x 0.02904.
gnomAD v4.1: 6,971 of 1,543,856 alleles (0.45%); highest among the groups gnomAD compares: African/African-American, 8.5%; 240 homozygotes.

Submissions (7):

Labcorp Genetics (formerly Invitae), Labcorp
Classification: Benign. Last evaluated: 2026-02-02. Review status: criteria provided, single submitter. Criteria: Invitae Variant Classification Sherloc (09022015). Collection method: clinical testing. Allele origin: germline.

Women's Health and Genetics/Laboratory Corporation of America, LabCorp
Classification: Likely benign. Last evaluated: 2025-12-08. Review status: criteria provided, single submitter. Criteria: LabCorp Variant Classification Summary - May 2015. Collection method: clinical testing. Allele origin: germline.

GeneDx
Classification: Benign. Last evaluated: 2021-05-05. Review status: criteria provided, single submitter. Criteria: GeneDx Variant Classification Process June 2021. Collection method: clinical testing. Allele origin: germline. Affected: yes.

Illumina Laboratory Services, Illumina
Classification: Likely benign for Retinitis pigmentosa. Last evaluated: 2017-04-27. Review status: criteria provided, single submitter. Criteria: ICSL Variant Classification Criteria 13 December 2019. Collection method: clinical testing. Allele origin: germline.
Comment: This variant was observed as part of a predisposition screen in an ostensibly healthy population. A literature search was performed for the gene, cDNA change, and amino acid change (where applicable). Publications were found based on this search. The evidence from the literature, in combination with allele frequency data from public databases where available, was sufficient to determine this variant is unlikely to cause disease. Therefore, this variant is classified as likely benign.

Eurofins Ntd Llc (ga)
Classification: Benign. Last evaluated: 2013-09-17. Review status: criteria provided, single submitter. Criteria: EGL Classification Definitions 2015. Collection method: clinical testing. Allele origin: germline. Observed: 2 variant alleles, 2 heterozygotes.

Breakthrough Genomics
Classification: Likely benign. Review status: criteria provided, single submitter. Criteria: ACMG Guidelines, 2015. Collection method: not provided. Allele origin: germline. Inheritance: Autosomal recessive inheritance. Affected: yes.

Natera, Inc.
Classification: Benign for Retinitis pigmentosa. Last evaluated: 2020-09-16. Review status: no assertion criteria provided. Collection method: clinical testing. Allele origin: germline. Not counted in ClinVar's aggregate classification.

Literature cited by the submitters: PubMed 20333770 (cited by Illumina Laboratory Services, Illumina); PubMed 20537394 (cited by Illumina Laboratory Services, Illumina).

NM_001142800.2(EYS):c.5977A>G (p.Thr1993Ala)

Gene: EYS (EGF-like photoreceptor maintenance factor; minus strand). Cytogenetic location: 6q12.
Variant type: single nucleotide variant.
Coding change: c.5977A>G on transcript NM_001142800.2 (MANE Select); coding-DNA position 5977, A replaced by G.
Protein change: p.Thr1993Ala; replaces threonine 1993 with alanine.
Molecular consequence: missense variant.
Genome position (GRCh38, 1-based): chr6:64,388,791, T>C on the plus strand (A>G on the coding strand, the complement: EYS is on the minus strand). VCF-style: chr6-64388791-T-C. GRCh37 (hg19) VCF-style: chr6-65098684-T-C.
Other names: c.5977A>G, p.Thr1993Ala (NM_001292009.2); short protein forms T1993A.
Identifiers: ClinVar variation 93619 (VCV000093619.23), dbSNP rs115066356, ClinGen allele CA147164.
Genomic context (GRCh38, chr6:64,388,791, plus strand): 5'-CAGATCCTGATTTTGGCAGGGGTTTTCCGAGTACATGATTGATAGATTCGCATATTTGTG[T>C]ATTCCTCCCTAAAATAGTCAGCTCAGCGTTACATGGATCCAATTCTTGCCTGTAACCATT-3'
Protein context (NP_001136272.1, residues 1983-2003): NAELTILGRN[Thr1993Ala]QICESINHVL